The following is an entry in ClinVar:

ClinVar aggregate classification (germline): Benign/Likely benign. Review status: criteria provided, multiple submitters, no conflicts (2 of 4 stars). 3 submissions from 3 submitters: Benign (2); Likely benign (1). Last evaluated 2024-11-27.

Conditions:
Deficiency of phosphoserine phosphatase (PSPHD). Also called: Phosphoserine phosphatase deficiency; PSPH deficiency. Identifiers: Orphanet 79350, MedGen C1291463, MONDO:0013531, OMIM 614023.

Allele frequency attached by ClinVar (database versions not stated): gnomAD exomes 0.00168; ExAC 0.07833; 1000 Genomes Project 30x 0.18723.

Submissions (3):

Blueprint Genetics
Classification: Likely benign. Last evaluated: 2024-11-27. Review status: criteria provided, single submitter. Criteria: ACMG Guidelines, 2015. Collection method: clinical testing. Allele origin: germline.

Illumina Laboratory Services, Illumina
Classification: Benign for Deficiency of phosphoserine phosphatase. Last evaluated: 2018-01-13. Review status: criteria provided, single submitter. Criteria: ICSL Variant Classification Criteria 13 December 2019. Collection method: clinical testing. Allele origin: germline.
Comment: This variant was observed in the ICSL laboratory as part of a predisposition screen in an ostensibly healthy population. It had not been previously curated by ICSL or reported in the Human Gene Mutation Database (HGMD: prior to June 1st, 2018), and was therefore a candidate for classification through an automated scoring system. Utilizing variant allele frequency, disease prevalence and penetrance estimates, and inheritance mode, an automated score was calculated to assess if this variant is too frequent to cause the disease. Based on the score and internal cut-off values, a variant classified as benign is not then subjected to further curation. The score for this variant resulted in a classification of benign for this disease.

Breakthrough Genomics
Classification: Benign. Review status: criteria provided, single submitter. Criteria: ACMG Guidelines, 2015. Collection method: not provided. Allele origin: germline. Inheritance: Autosomal recessive inheritance. Affected: yes.

NM_004577.4(PSPH):c.126C>T (p.Asp42=)

Gene: PSPH (phosphoserine phosphatase; minus strand). Cytogenetic location: 7p11.2.
Variant type: single nucleotide variant.
Coding change: c.126C>T on transcript NM_004577.4 (MANE Select); coding-DNA position 126, C replaced by T.
Protein change: p.Asp42=; no amino-acid change (aspartic acid 42 retained).
Molecular consequence: synonymous variant.
Genome position (GRCh38, 1-based): chr7:56,021,087, G>A on the plus strand (C>T on the coding strand, the complement: PSPH is on the minus strand). VCF-style: chr7-56021087-G-A. GRCh37 (hg19) VCF-style: chr7-56088780-G-A.
Other names: c.126C>T, p.Asp42= (NM_001370503.1, NM_001370504.1, NM_001370505.1 and 17 more transcripts).
Identifiers: ClinVar variation 908537 (VCV000908537.6), dbSNP rs75497420, ClinGen allele CA4268806.